The following is an entry in ClinVar:

NM_001943.5(DSG2):c.2072C>G (p.Ala691Gly)

Genes: DSG2 (desmoglein 2; plus strand), DSG2-AS1 (DSG2 antisense RNA 1; minus strand). Cytogenetic location: 18q12.1.
Variant type: single nucleotide variant.
Coding change: c.2072C>G on transcript NM_001943.5 (MANE Select); coding-DNA position 2072, C replaced by G.
Protein change: p.Ala691Gly; replaces alanine 691 with glycine.
Molecular consequence: missense variant.
Genome position (GRCh38, 1-based): chr18:31,542,590, C>G. VCF-style: chr18-31542590-C-G. GRCh37 (hg19) VCF-style: chr18-29122553-C-G.
Other names: short protein forms A691G.
Identifiers: ClinVar variation 3718854 (VCV003718854.3).

ClinVar aggregate classification (germline): Uncertain significance. Review status: criteria provided, multiple submitters, no conflicts (2 of 4 stars). 2 submissions from 2 submitters: Uncertain significance (2). Last evaluated 2025-11-24.

Conditions:
Cardiovascular phenotype. Identifiers: MedGen CN230736.
Arrhythmogenic right ventricular dysplasia 10. Also called: ARRHYTHMOGENIC RIGHT VENTRICULAR DYSPLASIA, FAMILIAL, 10; Arrhythmogenic Right Ventricular Dysplasia/Cardiomyopathy10; Arrhythmogenic right ventricular dysplasia/cardiomyopathy, type 10. Identifiers: MedGen C1857777, MONDO:0012434, OMIM 610193.

Submissions (2):

Ambry Genetics
Classification: Uncertain significance for Cardiovascular phenotype. Last evaluated: 2025-11-24. Review status: criteria provided, single submitter. Criteria: Ambry Variant Classification Scheme 2023. Collection method: clinical testing. Allele origin: germline.
Comment: The p.A691G variant (also known as c.2072C>G), located in coding exon 14 of the DSG2 gene, results from a C to G substitution at nucleotide position 2072. The alanine at codon 691 is replaced by glycine, an amino acid with similar properties. This amino acid position is conserved. In addition, this alteration is predicted to be tolerated by in silico analysis. Based on the available evidence, the clinical significance of this variant remains unclear.

Labcorp Genetics (formerly Invitae), Labcorp
Classification: Uncertain significance for Arrhythmogenic right ventricular dysplasia 10. Last evaluated: 2024-07-18. Review status: criteria provided, single submitter. Criteria: Invitae Variant Classification Sherloc (09022015). Collection method: clinical testing. Allele origin: germline.
Comment: This sequence change replaces alanine, which is neutral and non-polar, with glycine, which is neutral and non-polar, at codon 691 of the DSG2 protein (p.Ala691Gly). This variant is not present in population databases (gnomAD no frequency). This variant has not been reported in the literature in individuals affected with DSG2-related conditions. Advanced modeling of protein sequence and biophysical properties (such as structural, functional, and spatial information, amino acid conservation, physicochemical variation, residue mobility, and thermodynamic stability) performed at Invitae indicates that this missense variant is not expected to disrupt DSG2 protein function with a negative predictive value of 95%. In summary, the available evidence is currently insufficient to determine the role of this variant in disease. Therefore, it has been classified as a Variant of Uncertain Significance.